The following is an entry in ClinVar:

NM_182961.4(SYNE1):c.4044_4047del (p.Asn1348fs)

Gene: SYNE1 (spectrin repeat containing nuclear envelope protein 1; minus strand). Cytogenetic location: 6q25.2.
Variant type: Microsatellite.
Coding change: c.4044_4047del on transcript NM_182961.4 (MANE Select); coding-DNA positions 4044 to 4047, 4 bases deleted (CAAA; older notation c.4044_4047delCAAA).
Protein change: p.Asn1348fs; shifts the reading frame from asparagine 1348.
Molecular consequence: frameshift variant.
Genome position (GRCh38, 1-based): chr6:152,441,232-152,441,235, TTTG deleted on the plus strand (CAAA on the coding strand, the reverse complement: SYNE1 is on the minus strand); deleting any 4 consecutive bases within chr6:152,441,232-152,441,242 gives the same sequence; the c. name uses the placement nearest the transcript's 3' end. VCF-style (leftmost placement, unchanged base first): chr6-152441231-CTTTG-C. GRCh37 (hg19) VCF-style: chr6-152762366-CTTTG-C.
Other names: c.4065_4068del, p.Asn1355fs (NM_033071.5); short protein forms N1348fs, N1355fs.
Identifiers: ClinVar variation 1443581 (VCV001443581.6), dbSNP rs2098527248, ClinGen allele CA1673330606.

ClinVar aggregate classification (germline): Pathogenic (1 of 4 stars; one submission).

Conditions:
Emery-Dreifuss muscular dystrophy 4, autosomal dominant (EDMD4). Also called: EMERY-DREIFUSS MUSCULAR DYSTROPHY 4 WITH VARIABLE FEATURES. Identifiers: Orphanet 261, MedGen C2751807, MONDO:0013071, OMIM 612998.
Autosomal recessive ataxia, Beauce type. Also called: Spinocerebellar ataxia, autosomal recessive 8; ATAXIA, RECESSIVE, OF BEAUCE; SYNE1 Deficiency; SYNE1-Related Autosomal Recessive Cerebellar Ataxia. Identifiers: Orphanet 88644, MedGen C1853116, MONDO:0012549, OMIM 610743.

Submission:

Labcorp Genetics (formerly Invitae), Labcorp
Classification: Pathogenic for Emery-Dreifuss muscular dystrophy 4, autosomal dominant; Autosomal recessive ataxia, Beauce type. Last evaluated: 2021-06-25. Review status: criteria provided, single submitter. Criteria: Invitae Variant Classification Sherloc (09022015). Collection method: clinical testing. Allele origin: germline.
Comment: For these reasons, this variant has been classified as Pathogenic. This variant has not been reported in the literature in individuals with SYNE1-related conditions. This variant is not present in population databases (ExAC no frequency). This sequence change creates a premature translational stop signal (p.Asn1355Lysfs*4) in the SYNE1 gene. It is expected to result in an absent or disrupted protein product. Loss-of-function variants in SYNE1 are known to be pathogenic (PMID: 19542096, 24319099, 27086870).

Literature cited by the submitters: PubMed 19542096; PubMed 24319099; PubMed 27086870.